The following is an entry in ClinVar:

NM_177438.3(DICER1):c.1275A>C (p.Glu425Asp)

Gene: DICER1 (dicer 1, ribonuclease III; minus strand). Cytogenetic location: 14q32.13.
Variant type: single nucleotide variant.
Coding change: c.1275A>C on transcript NM_177438.3 (MANE Select); coding-DNA position 1275, A replaced by C.
Protein change: p.Glu425Asp; replaces glutamic acid 425 with aspartic acid.
Molecular consequence: missense variant. On other transcripts: 5 prime UTR variant (1), non-coding transcript variant (6).
Genome position (GRCh38, 1-based): chr14:95,124,297, T>G on the plus strand (A>C on the coding strand, the complement: DICER1 is on the minus strand). VCF-style: chr14-95124297-T-G. GRCh37 (hg19) VCF-style: chr14-95590634-T-G.
Other names: c.1275A>C, p.Glu425Asp (NM_001195573.1, NM_001271282.3, NM_001291628.2 and 14 more transcripts); c.993A>C, p.Glu331Asp (NM_001395686.1); c.870A>C, p.Glu290Asp (NM_001395687.1, NM_001395688.1, NM_001395689.1 and 3 more transcripts); c.708A>C, p.Glu236Asp (NM_001395691.1); c.-294A>C (NM_001395697.1); short protein forms E290D, E236D, E425D, E331D.
Identifiers: ClinVar variation 4637908 (VCV004637908.1).

ClinVar aggregate classification (germline): Uncertain significance (1 of 4 stars; one submission).

Conditions:
Hereditary cancer-predisposing syndrome. Also called: Neoplastic Syndromes, Hereditary; Tumor predisposition; Hereditary Cancer Syndrome; Hereditary neoplastic syndrome. Identifiers: Orphanet 140162, MedGen C0027672, MeSH D009386, MONDO:0015356.

Submission:

Ambry Genetics
Classification: Uncertain significance for Hereditary cancer-predisposing syndrome. Last evaluated: 2025-12-10. Review status: criteria provided, single submitter. Criteria: Ambry Variant Classification Scheme 2023. Collection method: clinical testing. Allele origin: germline.
Comment: The p.E425D variant (also known as c.1275A>C), located in coding exon 7 of the DICER1 gene, results from an A to C substitution at nucleotide position 1275. The glutamic acid at codon 425 is replaced by aspartic acid, an amino acid with highly similar properties. This amino acid position is conserved. In addition, this alteration is predicted to be tolerated by in silico analysis. Based on the available evidence, the clinical significance of this variant remains unclear.